The following is an entry in ClinVar:

NM_000051.4(ATM):c.3712_3716del (p.Leu1238fs)

Gene: ATM (ATM serine/threonine kinase; plus strand). Cytogenetic location: 11q22.3.
Variant type: Microsatellite.
Coding change: c.3712_3716del on transcript NM_000051.4 (MANE Select); coding-DNA positions 3712 to 3716, 5 bases deleted (TTATT; older notation c.3712_3716delTTATT).
Protein change: p.Leu1238fs; shifts the reading frame from leucine 1238.
Molecular consequence: frameshift variant.
Genome position (GRCh38, 1-based): chr11:108,282,845-108,282,849, TTATT deleted; deleting any 5 consecutive bases within chr11:108,282,838-108,282,849 gives the same sequence; the c. name uses the placement nearest the transcript's 3' end. VCF-style (leftmost placement, unchanged base first): chr11-108282837-CTTTTA-C. GRCh37 (hg19) VCF-style: chr11-108153564-CTTTTA-C.
Other names: c.3712_3716del, p.Leu1238fs (NM_001351834.2); c.3712_3716delTTATT (NM_000051.3, NM_000051.4); c.3712_3716del5 (NM_000051.3); short protein forms L1238fs.
Identifiers: ClinVar variation 184764 (VCV000184764.44), dbSNP rs786201675, ClinGen allele CA189990.

ClinVar aggregate classification (germline): Pathogenic/Likely pathogenic. Review status: criteria provided, multiple submitters, no conflicts (2 of 4 stars). 18 submissions from 18 submitters: Pathogenic (15); Likely pathogenic (1). 2 of the submissions do not count toward it. Last evaluated 2026-01-25.
ClinVar aggregate classification (oncogenicity): Likely oncogenic (1 of 4 stars; one submission).

Conditions:
ATM-related disorder. Also called: ATM-related disorders; ATM-related condition.
Hereditary cancer-predisposing syndrome. Also called: Neoplastic Syndromes, Hereditary; Tumor predisposition; Hereditary neoplastic syndrome; Hereditary Cancer Syndrome. Identifiers: Orphanet 140162, MedGen C0027672, MeSH D009386, MONDO:0015356.
Familial cancer of breast. Also called: Hereditary breast cancer; BREAST CANCER, FAMILIAL; hereditary breast carcinoma. Identifiers: Orphanet 227535, MedGen C0346153, MONDO:0016419, OMIM 114480. Disease mechanism: loss of function.
Ataxia-telangiectasia syndrome (AT). Also called: Cerebello-oculocutaneous telangiectasia; Immunodeficiency with ataxia telangiectasia; AT, COMPLEMENTATION GROUP C; LOUIS-BAR SYNDROME; Ataxia-telangiectasia, complementation group E; ATAXIA-TELANGIECTASIA, COMPLEMENTATION GROUP A. Identifiers: Orphanet 100, MedGen C0004135, MONDO:0008840, OMIM 208900.
Neoplasm. Also called: tumor; Neoplasms; Neoplasm (disease). Identifiers: MedGen C0027651, MeSH D009369, MONDO:0005070, HP:0002664.

Submissions 1 to 10 of 19:

Labcorp Genetics (formerly Invitae), Labcorp
Classification: Pathogenic for Ataxia-telangiectasia syndrome. Last evaluated: 2026-01-25. Review status: criteria provided, single submitter. Criteria: Invitae Variant Classification Sherloc (09022015). Collection method: clinical testing. Allele origin: germline.
Comment: This sequence change creates a premature translational stop signal (p.Leu1238Lysfs*6) in the ATM gene. It is expected to result in an absent or disrupted protein product. Loss-of-function variants in ATM are known to be pathogenic (PMID: 23807571, 25614872). This variant is not present in population databases (gnomAD no frequency). This premature translational stop signal has been observed in individual(s) with ataxia-telangiectasia, chronic lymphocytic leukemia, or bladder cancer, sarcoma, and polyposis (PMID: 21665257, 21933854, 22071889, 26845104, 27528516). For these reasons, this variant has been classified as Pathogenic.

Center for Genomic Medicine, Rigshospitalet, Copenhagen University Hospital
Classification: Likely oncogenic for Neoplasm. Last evaluated: 2025-12-29. Review status: criteria provided, single submitter. Criteria: ClinGen/CGC/VICC Guidelines for Oncogenicity, 2022. Collection method: clinical testing. Allele origin: somatic. Affected: yes.

PreventionGenetics, part of Exact Sciences
Classification: Pathogenic for ATM-related condition. Last evaluated: 2025-12-22. Review status: criteria provided, single submitter. Criteria: ACMG Guidelines, 2015. Collection method: clinical testing. Allele origin: germline.
Comment: The ATM c.3712_3716del5 variant is predicted to result in a frameshift and premature protein termination (p.Leu1238Lysfs*6). This variant has been reported along with a second ATM variant in multiple individuals with ataxia-telangiectasia (see for example: Carranza et al. 2016. PubMed ID: 27664052; Li et al. 2000. PubMed ID: 10817650; Marelli et al. 2016. PubMed ID: 27528516; Jacquemin et al. 2011. PubMed ID: 22071889). This variant has also been reported in an individual with esophagogastric adenocarcinoma (Table S7, Schrader et al. 2016. PubMed ID: 26556299), an individual with sarcoma and bladder cancer (Table S1, Shirts et al. 2016. PubMed ID: 26845104), and an individual with pancreatic cancer (eTable 3, Hu et al. 2018. PubMed ID: 29922827). This variant has not been reported in a large population database, indicating this variant is rare. This variant is interpreted as likely pathogenic/pathogenic in ClinVar (Variation ID: 184764). Frameshift variants in ATM are expected to be pathogenic. This variant is interpreted as pathogenic.

Dasa
Classification: Pathogenic. Last evaluated: 2025-10-30. Review status: criteria provided, single submitter. Criteria: DASA Assertion Criteria. Collection method: clinical testing. Allele origin: germline.
Comment: NM_000051.4(ATM):c.3712_3716del (p.Leu1238Lysfs*6) is a frameshift variant in ATM predicted to alter the reading frame and introduce a premature termination codon and is predicted to result in an absent or altered protein product. Loss of function is an established disease mechanism for ATM (PMID: 3574400; PMID: 27595995; PMID: 15928302). The affected residue or protein region has prior evidence supporting clinical relevance. This variant has been recurrently observed in individuals with ATM-related disorders (PMID: 27664052; PMID: 22071889). Also, this variant is rare in population databases. Based on the currently available evidence, this variant is classified as pathogenic.

Natera, Inc.
Classification: Pathogenic for Ataxia-telangiectasia. Last evaluated: 2025-09-30. Review status: criteria provided, single submitter. Criteria: Natera Variant Classification Schema (03/2026). Collection method: clinical testing. Allele origin: germline.
Comment: The c.3712_3716delTTATT variant in ATM is a frameshift variant predicted to shift the reading frame beginning at codon 1238 and leads to a stop codon 6 codons downstream. This variant is expected to result in nonsense mediated decay, truncation, or a dysfunctional protein product. This variant is rare in the general population with a frequency below the threshold expected for the associated phenotype(s). This variant has been observed in one or more individuals affected with the associated recessive disease, as either homozygous or compound heterozygous with a second variant (PMID: 27664052). Given the available evidence, this variant is classified as Pathogenic.

Color Diagnostics, LLC DBA Color Health
Classification: Pathogenic for Hereditary cancer-predisposing syndrome. Last evaluated: 2025-07-08. Review status: criteria provided, single submitter. Criteria: ACMG Guidelines, 2015. Collection method: clinical testing. Allele origin: germline.
Comment: This variant deletes 5 nucleotides in exon 25 of the ATM gene, creating a frameshift and premature translation stop signal. This variant is expected to result in an absent or non-functional protein product. This variant has been reported in the homozygous state or compound heterozygous state with a second ATM mutation in individuals affected with ataxia telangiectasia (PMID: 9792409, 10817650, 12815592, 21665257, 22071889, 27528516). This variant has not been identified in the general population by the Genome Aggregation Database (gnomAD). Loss of ATM function is a known mechanism of disease. Based on the available evidence, this variant is classified as Pathogenic.

Molecular Diagnostics Laboratory, Catalan Institute of Oncology
Classification: Pathogenic for Hereditary cancer-predisposing syndrome. Last evaluated: 2025-04-22. Review status: criteria provided, single submitter. Criteria: ClinGen ACMG Specifications ATM V1.1.0. Collection method: clinical testing. Allele origin: germline.
Comment: PVS1, PM2_Supporting, PM5_Supporting c.3712_3716del, located in exon 25 of the ATM gene, consists in the deletion of 5 nucleotides, causing a translational frameshift with a predicted alternate stop codon (p.(Leu1238Lysfs*6)). This alteration is expected to result in loss of function by premature protein truncation before codon 2979 (PVS1, PM5_supporting). It is not present in the population database gnomAD v2.1.1, non cancer dataset (PM2_supporting). The SpliceAI algorithm predicts no significant impact on splicing. It has been reported in ClinVar (14x P, 1x LP). Additional information has not been evaluated for this variant. Based on the currently available information, c.3712_3716del is classified as a pathogenic variant according to ClinGen-ATM Guidelines version 1.1.

Center for Genomic Medicine, Rigshospitalet, Copenhagen University Hospital
Classification: Pathogenic. Last evaluated: 2025-03-04. Review status: criteria provided, single submitter. Criteria: ACMG Guidelines, 2015. Collection method: clinical testing. Allele origin: germline.

Ambry Genetics
Classification: Pathogenic for Hereditary cancer-predisposing syndrome. Last evaluated: 2024-09-09. Review status: criteria provided, single submitter. Criteria: Ambry Variant Classification Scheme 2023. Collection method: clinical testing. Allele origin: germline.
Comment: The c.3712_3716delTTATT pathogenic mutation, located in coding exon 24 of the ATM gene, results from a deletion of 5 nucleotides at nucleotide positions 3712 to 3716, causing a translational frameshift with a predicted alternate stop codon (p.L1238Kfs*6). This variant has been reported in multiple homozygous and compound heterozygous individuals with ataxia-telangiectasia (A-T) (Vorechovsk&yacute; I et al. Eur. J. Hum. Genet. 1996;4:352-5; Broeks A et al. Hum. Mutat. 1998;12:330-7; Li A et al. Am. J. Med. Genet. 2000 May;92:170-7; Mitui M et al. Hum. Mutat. 2003 Jul;22:43-50; Jacquemin V et al. Eur. J. Hum. Genet. 2012 Mar;20:305-12; Carranza D et al. Neuromolecular Med. 2017 Mar;19:161-174; Berland A et al. J Allergy Clin Immunol, 2019 01;143:325-334.e2). Of note, this alteration is also designated as 3709del5 and 3711del5 in published literature. This variant is considered to be rare based on population cohorts in the Genome Aggregation Database (gnomAD). In addition to the clinical data presented in the literature, this alteration is expected to result in loss of function by premature protein truncation or nonsense-mediated mRNA decay. As such, this alteration is interpreted as a disease-causing mutation.

Blueprint Genetics
Classification: Pathogenic for ATM-related disorders. Last evaluated: 2024-07-09. Review status: criteria provided, single submitter. Criteria: ACMG Guidelines, 2015. Collection method: clinical testing. Allele origin: germline. Affected: yes. Observed: 5 variant alleles.